The following is an entry in ClinVar:

NM_001005373.4(LRSAM1):c.1043+5G>A

Gene: LRSAM1 (leucine rich repeat and sterile alpha motif containing 1; plus strand). Cytogenetic location: 9q33.3.
Variant type: single nucleotide variant.
Coding change: c.1043+5G>A on transcript NM_001005373.4 (MANE Select); 5 bases into the intron after coding-DNA position 1043, G replaced by A.
Molecular consequence: intron variant.
Genome position (GRCh38, 1-based): chr9:127,479,983, G>A. VCF-style: chr9-127479983-G-A. GRCh37 (hg19) VCF-style: chr9-130242262-G-A.
Other names: c.1043+5G>A (NM_138361.5, NM_001384142.1, NM_001384143.1 and 2 more transcripts); c.254+5G>A (NM_001384144.1).
Identifiers: ClinVar variation 472788 (VCV000472788.32), dbSNP rs780868977, ClinGen allele CA5246794.

ClinVar aggregate classification (germline): Conflicting classifications of pathogenicity. Review status: criteria provided, conflicting classifications (1 of 4 stars). 3 submissions from 3 submitters: Uncertain significance (2); Likely benign (1). Last evaluated 2024-09-11.

Conditions:
Charcot-Marie-Tooth disease axonal type 2P. Also called: CHARCOT-MARIE-TOOTH NEUROPATHY, TYPE 2P; Charcot-Marie-Tooth Neuropathy Type 2G; CHARCOT-MARIE-TOOTH DISEASE, AXONAL, TYPE 2G; CMT 2G. Identifiers: Orphanet 300319, Orphanet 99941, MedGen C3280797, MONDO:0013753, OMIM 614436.

Allele frequency attached by ClinVar (database versions not stated): ExAC 0.00001; gnomAD exomes 0.00001; gnomAD 0.00002.
gnomAD v4.1: 20 of 1,614,078 alleles (0.0012%); highest among the groups gnomAD compares: Non-Finnish European, 0.0015%; no homozygotes.

Submissions (3):

Blueprint Genetics
Classification: Uncertain significance. Last evaluated: 2024-09-11. Review status: criteria provided, single submitter. Criteria: ACMG Guidelines, 2015. Collection method: clinical testing. Allele origin: germline.

Labcorp Genetics (formerly Invitae), Labcorp
Classification: Uncertain significance for Charcot-Marie-Tooth disease axonal type 2P. Last evaluated: 2024-03-25. Review status: criteria provided, single submitter. Criteria: Invitae Variant Classification Sherloc (09022015). Collection method: clinical testing. Allele origin: germline.
Comment: This sequence change falls in intron 13 of the LRSAM1 gene. It does not directly change the encoded amino acid sequence of the LRSAM1 protein. It affects a nucleotide within the consensus splice site. This variant is present in population databases (rs780868977, gnomAD 0.006%). This variant has not been reported in the literature in individuals affected with LRSAM1-related conditions. ClinVar contains an entry for this variant (Variation ID: 472788). Variants that disrupt the consensus splice site are a relatively common cause of aberrant splicing (PMID: 17576681, 9536098). Algorithms developed to predict the effect of sequence changes on RNA splicing suggest that this variant may disrupt the consensus splice site. In summary, the available evidence is currently insufficient to determine the role of this variant in disease. Therefore, it has been classified as a Variant of Uncertain Significance.

CeGaT Center for Human Genetics Tuebingen
Classification: Likely benign. Last evaluated: 2023-04-01. Review status: criteria provided, single submitter. Criteria: CeGaT Center For Human Genetics Tuebingen Variant Classification Criteria Version 2. Collection method: clinical testing. Allele origin: germline. Affected: yes. Observed: 1 variant allele.
Comment: LRSAM1: BP4

Literature cited by the submitters: PubMed 17576681 (cited by Labcorp Genetics (formerly Invitae), Labcorp); PubMed 9536098 (cited by Labcorp Genetics (formerly Invitae), Labcorp).